The following is an entry in ClinVar:

ClinVar aggregate classification (germline): Uncertain significance. Review status: criteria provided, multiple submitters, no conflicts (2 of 4 stars). 4 submissions from 4 submitters: Uncertain significance (4). Last evaluated 2025-10-29.

Conditions:
Cohen syndrome (COH1). Also called: PEPPER SYNDROME; Cutis verticis gyrata, retinitis pigmentosa, and sensorineural deafness. Identifiers: Orphanet 193, MedGen C0265223, MONDO:0008999, OMIM 216550.
VPS13B-related disorder. Also called: VPS13B-related condition.

Allele frequency attached by ClinVar (database versions not stated): TOPMed below 0.00001; ExAC 0.00001; gnomAD exomes 0.00001 and 0.00002.
gnomAD v4.1: 11 of 1,613,078 alleles (0.00068%); highest among the groups gnomAD compares: Non-Finnish European, 0.00093%; no homozygotes.

Submissions (4):

PreventionGenetics, part of Exact Sciences
Classification: Uncertain significance for VPS13B-related condition. Last evaluated: 2025-10-29. Review status: criteria provided, single submitter. Criteria: ACMG Guidelines, 2015. Collection method: clinical testing. Allele origin: germline.
Comment: The VPS13B c.10699C>A variant is predicted to result in the amino acid substitution p.Pro3567Thr. To our knowledge, this variant has not been reported in the literature. This variant is reported in 0.0018% of alleles in individuals of European (Non-Finnish) descent in gnomAD. At this time, the clinical significance of this variant is uncertain due to the absence of conclusive functional and genetic evidence.

GeneDx
Classification: Uncertain significance. Last evaluated: 2024-07-12. Review status: criteria provided, single submitter. Criteria: GeneDx Variant Classification Process June 2021. Collection method: clinical testing. Allele origin: germline. Affected: yes.
Comment: Not observed at significant frequency in large population cohorts (gnomAD); In silico analysis supports that this missense variant has a deleterious effect on protein structure/function; Has not been previously published as pathogenic or benign to our knowledge

Labcorp Genetics (formerly Invitae), Labcorp
Classification: Uncertain significance for Cohen syndrome. Last evaluated: 2022-08-23. Review status: criteria provided, single submitter. Criteria: Invitae Variant Classification Sherloc (09022015). Collection method: clinical testing. Allele origin: germline.
Comment: This sequence change replaces proline, which is neutral and non-polar, with threonine, which is neutral and polar, at codon 3592 of the VPS13B protein (p.Pro3592Thr). This variant is present in population databases (rs759972908, gnomAD 0.002%). This variant has not been reported in the literature in individuals affected with VPS13B-related conditions. ClinVar contains an entry for this variant (Variation ID: 1449307). Algorithms developed to predict the effect of missense changes on protein structure and function are either unavailable or do not agree on the potential impact of this missense change (SIFT: "Not Available"; PolyPhen-2: "Possibly Damaging"; Align-GVGD: "Not Available"). In summary, the available evidence is currently insufficient to determine the role of this variant in disease. Therefore, it has been classified as a Variant of Uncertain Significance.

Fulgent Genetics
Classification: Uncertain significance for Cohen syndrome. Last evaluated: 2021-07-06. Review status: criteria provided, single submitter. Criteria: ACMG Guidelines, 2015. Collection method: clinical testing. Allele origin: unknown.

NM_152564.5(VPS13B):c.10699C>A (p.Pro3567Thr)

Gene: VPS13B (vacuolar protein sorting 13 homolog B; plus strand). Cytogenetic location: 8q22.2.
Variant type: single nucleotide variant.
Coding change: c.10699C>A on transcript NM_152564.5 (MANE Select); coding-DNA position 10699, C replaced by A.
Protein change: p.Pro3567Thr; replaces proline 3567 with threonine.
Molecular consequence: missense variant.
Genome position (GRCh38, 1-based): chr8:99,854,088, C>A. VCF-style: chr8-99854088-C-A. GRCh37 (hg19) VCF-style: chr8-100866316-C-A.
Other names: c.10774C>A, p.Pro3592Thr (NM_017890.5); c.10774C>A (NM_017890.3); c.10699C>A (NM_152564.4); short protein forms P3567T, P3592T.
Identifiers: ClinVar variation 1449307 (VCV001449307.8), dbSNP rs759972908, ClinGen allele CA4825002.
Genomic context (GRCh38, chr8:99,854,088, plus strand): 5'-GTCACACAGCACGCCAGGGCCTTGGTGAATCCTGTGAAGTTACGGAAACTGGTGATCCAG[C>A]CAGTAAATTTGCTCGTCAGCATCCACGCTTCCCTCAAGCTGTACATAGCCTCAGACCACA-3'
Protein context (NP_689777.3, residues 3557-3577): PVKLRKLVIQ[Pro3567Thr]VNLLVSIHAS